The following is an entry in ClinVar:

ClinVar aggregate classification (germline): Uncertain significance. Review status: criteria provided, multiple submitters, no conflicts (2 of 4 stars). 2 submissions from 2 submitters: Uncertain significance (2). Last evaluated 2025-04-27.

Conditions:
Inborn genetic diseases. Identifiers: MedGen C0950123, MeSH D030342.

Allele frequency attached by ClinVar (database versions not stated): gnomAD exomes below 0.00001; TOPMed below 0.00001; gnomAD 0.00001.
gnomAD v4.1: 3 of 1,613,526 alleles (0.00019%); highest among the groups gnomAD compares: African/African-American, 0.004%; no homozygotes.

Submissions (2):

Labcorp Genetics (formerly Invitae), Labcorp
Classification: Uncertain significance. Last evaluated: 2025-04-27. Review status: criteria provided, single submitter. Criteria: Invitae Variant Classification Sherloc (09022015). Collection method: clinical testing. Allele origin: germline.
Comment: This sequence change replaces asparagine, which is neutral and polar, with aspartic acid, which is acidic and polar, at codon 1586 of the MYO7A protein (p.Asn1586Asp). This variant is present in population databases (no rsID available, gnomAD 0.02%). This variant has not been reported in the literature in individuals affected with MYO7A-related conditions. ClinVar contains an entry for this variant (Variation ID: 2411959). Invitae Evidence Modeling of protein sequence and biophysical properties (such as structural, functional, and spatial information, amino acid conservation, physicochemical variation, residue mobility, and thermodynamic stability) indicates that this missense variant is not expected to disrupt MYO7A protein function with a negative predictive value of 95%. In summary, the available evidence is currently insufficient to determine the role of this variant in disease. Therefore, it has been classified as a Variant of Uncertain Significance.

Ambry Genetics
Classification: Uncertain significance for Inborn genetic diseases. Last evaluated: 2022-06-09. Review status: criteria provided, single submitter. Criteria: Ambry Variant Classification Scheme 2023. Collection method: clinical testing. Allele origin: germline.

NM_000260.4(MYO7A):c.4756A>G (p.Asn1586Asp)

Gene: MYO7A (myosin VIIA; plus strand). Cytogenetic location: 11q13.5.
Variant type: single nucleotide variant.
Coding change: c.4756A>G on transcript NM_000260.4 (MANE Select); coding-DNA position 4756, A replaced by G.
Protein change: p.Asn1586Asp; replaces asparagine 1586 with aspartic acid.
Molecular consequence: missense variant.
Genome position (GRCh38, 1-based): chr11:77,199,722, A>G. VCF-style: chr11-77199722-A-G. GRCh37 (hg19) VCF-style: chr11-76910767-A-G.
Other names: c.4642A>G, p.Asn1548Asp (NM_001127180.2); c.4609A>G, p.Asn1537Asp (NM_001369365.1); short protein forms N1548D, N1586D, N1537D.
Identifiers: ClinVar variation 2411959 (VCV002411959.5), dbSNP rs963173377, ClinGen allele CA224849355.
Genomic context (GRCh38, chr11:77,199,722, plus strand): 5'-ACGGCCCCCAGCTTCACGCTGGCCACCATCAAGGGGGACGAATACACCTTCACCTCCAGC[A>G]ATGCTGAGGACATTCGTGACCTGGTGGTCACCTTCCTAGAGGGGCTCCGGAAGAGATCTA-3'
Protein context (NP_000251.3, residues 1576-1596): KGDEYTFTSS[Asn1586Asp]AEDIRDLVVT